The following is an entry in ClinVar:

ClinVar aggregate classification (germline): Likely benign (1 of 4 stars; one submission).

Allele frequency attached by ClinVar (database versions not stated): ExAC 0.00002; gnomAD exomes 0.00002; 1000 Genomes Project 0.00060; gnomAD 0.00002.
gnomAD v4.1: 28 of 1,575,188 alleles (0.0018%); highest among the groups gnomAD compares: Middle Eastern, 0.023%; no homozygotes.

Submission:

CeGaT Center for Human Genetics Tuebingen
Classification: Likely benign. Last evaluated: 2023-04-01. Review status: criteria provided, single submitter. Criteria: CeGaT Center For Human Genetics Tuebingen Variant Classification Criteria Version 2. Collection method: clinical testing. Allele origin: germline. Affected: yes. Observed: 1 variant allele.
Comment: PCDHB16: BP4, BP7

NM_020957.4(PCDHB16):c.1542C>T (p.Phe514=)

Genes: PCDHB16 (protocadherin beta 16; plus strand), PCDHB@ (protocadherin beta cluster; plus strand). Cytogenetic location: 5q31.3.
Variant type: single nucleotide variant.
Coding change: c.1542C>T on transcript NM_020957.4 (MANE Select); coding-DNA position 1542, C replaced by T.
Protein change: p.Phe514=; no amino-acid change (phenylalanine 514 retained).
Molecular consequence: synonymous variant.
Genome position (GRCh38, 1-based): chr5:141,184,101, C>T. VCF-style: chr5-141184101-C-T. GRCh37 (hg19) VCF-style: chr5-140563676-C-T.
Identifiers: ClinVar variation 2655822 (VCV002655822.24), dbSNP rs535046436, ClinGen allele CA3460457.